The following is an entry in ClinVar:

NM_001382391.1(CSPP1):c.280G>A (p.Asp94Asn)

Gene: CSPP1 (centrosome and spindle pole associated protein 1; plus strand). Cytogenetic location: 8q13.1.
Variant type: single nucleotide variant.
Coding change: c.280G>A on transcript NM_001382391.1 (MANE Select); coding-DNA position 280, G replaced by A.
Protein change: p.Asp94Asn; replaces aspartic acid 94 with asparagine.
Molecular consequence: missense variant. On other transcripts: 5 prime UTR variant (1).
Genome position (GRCh38, 1-based): chr8:67,086,087, G>A. VCF-style: chr8-67086087-G-A. GRCh37 (hg19) VCF-style: chr8-67998322-G-A.
Other names: c.-495G>A (NM_001291339.2); c.280G>A, p.Asp94Asn (NM_001363131.2, NM_001363132.2, NM_001363133.2); c.388G>A, p.Asp130Asn (NM_001364869.1, NM_001364870.1, NM_024790.7); short protein forms D130N, D94N.
Identifiers: ClinVar variation 1390986 (VCV001390986.8), dbSNP rs1182648944, ClinGen allele CA371187003.

ClinVar aggregate classification (germline): Uncertain significance (1 of 4 stars; one submission).

Conditions:
Joubert syndrome 21 (JBTS21). Identifiers: MedGen C3810212, MONDO:0014288, OMIM 615636.

Allele frequency attached by ClinVar (database versions not stated): gnomAD exomes below 0.00001.
gnomAD v4.1: 1 of 1,454,584 alleles (0.000069%); highest among the groups gnomAD compares: Non-Finnish European, 0.000097%; no homozygotes.

Submission:

Labcorp Genetics (formerly Invitae), Labcorp
Classification: Uncertain significance for Joubert syndrome 21. Last evaluated: 2020-11-18. Review status: criteria provided, single submitter. Criteria: Invitae Variant Classification Sherloc (09022015). Collection method: clinical testing. Allele origin: germline.
Comment: In summary, the available evidence is currently insufficient to determine the role of this variant in disease. Therefore, it has been classified as a Variant of Uncertain Significance. Algorithms developed to predict the effect of missense changes on protein structure and function are either unavailable or do not agree on the potential impact of this missense change (SIFT: "Deleterious"; PolyPhen-2: "Probably Damaging"; Align-GVGD: "Class C0"). This variant has not been reported in the literature in individuals with CSPP1-related conditions. This variant is not present in population databases (ExAC no frequency). This sequence change replaces aspartic acid with asparagine at codon 130 of the CSPP1 protein (p.Asp130Asn). The aspartic acid residue is highly conserved and there is a small physicochemical difference between aspartic acid and asparagine.